The following is an entry in ClinVar:

ClinVar aggregate classification (germline): Uncertain significance (1 of 4 stars; one submission).

Conditions:
Intellectual disability-hypotonic facies syndrome, X-linked, 1 (MRXHF1). Also called: XLMR-HYPOTONIC FACIES SYNDROME; Smith Fineman Myers syndrome 1; X-linked intellectual disability-hypotonic face syndrome; CHUDLEY-LOWRY SYNDROME; Chudley syndrome 1; Chudley-Lowry-Hoar syndrome. Identifiers: Orphanet 73220, Orphanet 93970, Orphanet 93971, Orphanet 93972, Orphanet 93973, Orphanet 93974, Orphanet 93975, MedGen C4759781, MONDO:0010663, OMIM 309580.

Submission:

Department of Paediatrics at Addenbrookes, Cambridge University Hospitals NHS Foundation Trust (UK)
Classification: Uncertain significance for Intellectual disability-hypotonic facies syndrome, X-linked, 1. Last evaluated: 2025-05-27. Review status: criteria provided, single submitter. Criteria: Durkie Uk Practice Guidelines For Variant Classification V12 2024 (1). Collection method: clinical testing. Allele origin: unknown.
Comment: PM2_Moderate

NM_000489.6(ATRX):c.867G>C (p.Gln289His)

Gene: ATRX (ATRX chromatin remodeler; minus strand). Cytogenetic location: Xq21.1.
Variant type: single nucleotide variant.
Coding change: c.867G>C on transcript NM_000489.6 (MANE Select); coding-DNA position 867, G replaced by C.
Protein change: p.Gln289His; replaces glutamine 289 with histidine.
Molecular consequence: missense variant.
Genome position (GRCh38, 1-based): chrX:77,684,389, C>G on the plus strand (G>C on the coding strand, the complement: ATRX is on the minus strand). VCF-style: chrX-77684389-C-G. GRCh37 (hg19) VCF-style: chrX-76939881-C-G.
Other names: c.753G>C, p.Gln251His (NM_138270.5); short protein forms Q251H, Q289H.
Identifiers: ClinVar variation 4279543 (VCV004279543.1).